The following is an entry in ClinVar:

NM_002618.4(PEX13):c.778G>C (p.Glu260Gln)

Gene: PEX13 (peroxisomal biogenesis factor 13; plus strand). Cytogenetic location: 2p15.
Variant type: single nucleotide variant.
Coding change: c.778G>C on transcript NM_002618.4 (MANE Select); coding-DNA position 778, G replaced by C.
Protein change: p.Glu260Gln; replaces glutamic acid 260 with glutamine.
Molecular consequence: missense variant.
Genome position (GRCh38, 1-based): chr2:61,032,104, G>C. VCF-style: chr2-61032104-G-C. GRCh37 (hg19) VCF-style: chr2-61259239-G-C.
Other names: short protein forms E260Q.
Identifiers: ClinVar variation 1998437 (VCV001998437.4), dbSNP rs2467508740, ClinGen allele CA346945014.

ClinVar aggregate classification (germline): Uncertain significance (1 of 4 stars; one submission).

Conditions:
Peroxisome biogenesis disorder 11A (Zellweger). Also called: Peroxisome biogenesis disorder 11A. Identifiers: Orphanet 912, MedGen C3554000, MONDO:0013949, OMIM 614883.

Allele frequency attached by ClinVar (database versions not stated): gnomAD exomes below 0.00001.
gnomAD v4.1: 1 of 1,607,944 alleles (0.000062%); highest among the groups gnomAD compares: Non-Finnish European, 0.000085%; no homozygotes.

Submission:

Labcorp Genetics (formerly Invitae), Labcorp
Classification: Uncertain significance for Peroxisome biogenesis disorder 11A (Zellweger). Last evaluated: 2022-05-25. Review status: criteria provided, single submitter. Criteria: Invitae Variant Classification Sherloc (09022015). Collection method: clinical testing. Allele origin: germline.
Comment: This sequence change replaces glutamic acid, which is acidic and polar, with glutamine, which is neutral and polar, at codon 260 of the PEX13 protein (p.Glu260Gln). In summary, the available evidence is currently insufficient to determine the role of this variant in disease. Therefore, it has been classified as a Variant of Uncertain Significance. Algorithms developed to predict the effect of missense changes on protein structure and function (SIFT, PolyPhen-2, Align-GVGD) all suggest that this variant is likely to be tolerated. This variant has not been reported in the literature in individuals affected with PEX13-related conditions. This variant is not present in population databases (gnomAD no frequency).